The following is an entry in ClinVar:

ClinVar aggregate classification (germline): Uncertain significance. Review status: criteria provided, multiple submitters, no conflicts (2 of 4 stars). 2 submissions from 2 submitters: Uncertain significance (2). Last evaluated 2022-10-05.

Conditions:
Inborn genetic diseases. Identifiers: MedGen C0950123, MeSH D030342.

Allele frequency attached by ClinVar (database versions not stated): TOPMed 0.00002; gnomAD 0.00001; gnomAD exomes 0.00002.
gnomAD v4.1: 12 of 1,209,713 alleles (0.00099%); highest among the groups gnomAD compares: Non-Finnish European, 0.0011%; no homozygotes.

Submissions (2):

Labcorp Genetics (formerly Invitae), Labcorp
Classification: Uncertain significance. Last evaluated: 2022-10-05. Review status: criteria provided, single submitter. Criteria: Invitae Variant Classification Sherloc (09022015). Collection method: clinical testing. Allele origin: germline.
Comment: This sequence change replaces lysine, which is basic and polar, with asparagine, which is neutral and polar, at codon 150 of the RS1 protein (p.Lys150Asn). This variant is present in population databases (no rsID available, gnomAD 0.002%). This variant has not been reported in the literature in individuals affected with RS1-related conditions. ClinVar contains an entry for this variant (Variation ID: 935017). Advanced modeling of protein sequence and biophysical properties (such as structural, functional, and spatial information, amino acid conservation, physicochemical variation, residue mobility, and thermodynamic stability) performed at Invitae indicates that this missense variant is expected to disrupt RS1 protein function. In summary, the available evidence is currently insufficient to determine the role of this variant in disease. Therefore, it has been classified as a Variant of Uncertain Significance.

Ambry Genetics
Classification: Uncertain significance for Inborn genetic diseases. Last evaluated: 2021-07-13. Review status: criteria provided, single submitter. Criteria: Ambry Variant Classification Scheme 2023. Collection method: clinical testing. Allele origin: germline.

NM_000330.4(RS1):c.450G>C (p.Lys150Asn)

Genes: CDKL5 (cyclin dependent kinase like 5; plus strand), RS1 (retinoschisin 1; minus strand). Cytogenetic location: Xp22.13.
Variant type: single nucleotide variant.
Coding change: c.450G>C on transcript NM_000330.4 (MANE Select); coding-DNA position 450, G replaced by C.
Protein change: p.Lys150Asn; replaces lysine 150 with asparagine.
Molecular consequence: missense variant. On other transcripts: intron variant (2).
Genome position (GRCh38, 1-based): chrX:18,644,502, C>G on the plus strand (G>C on the coding strand, the complement: RS1 is on the minus strand). VCF-style: chrX-18644502-C-G. GRCh37 (hg19) VCF-style: chrX-18662622-C-G.
Other names: c.2714-1505C>G (NM_003159.3, NM_001037343.2); short protein forms K150N.
Identifiers: ClinVar variation 935017 (VCV000935017.6), dbSNP rs1342574819, ClinGen allele CA412371643.